The following is an entry in ClinVar:

ClinVar aggregate classification (germline): Uncertain significance. Review status: criteria provided, multiple submitters, no conflicts (2 of 4 stars). 3 submissions from 3 submitters: Uncertain significance (3). Last evaluated 2025-10-13.

Allele frequency attached by ClinVar (database versions not stated): ExAC 0.00002; gnomAD exomes 0.00002; gnomAD 0.00003; TOPMed 0.00011.
gnomAD v4.1: 44 of 1,614,164 alleles (0.0027%); highest among the groups gnomAD compares: African/African-American, 0.04%; no homozygotes.

Submissions (3):

Labcorp Genetics (formerly Invitae), Labcorp
Classification: Uncertain significance. Last evaluated: 2025-10-13. Review status: criteria provided, single submitter. Criteria: Invitae Variant Classification Sherloc (09022015). Collection method: clinical testing. Allele origin: germline.
Comment: This sequence change replaces arginine, which is basic and polar, with tryptophan, which is neutral and slightly polar, at codon 124 of the SULF1 protein (p.Arg124Trp). This variant is present in population databases (rs774063520, gnomAD 0.02%). This variant has not been reported in the literature in individuals affected with SULF1-related conditions. ClinVar contains an entry for this variant (Variation ID: 283835). An algorithm developed to predict the effect of missense changes on protein structure and function (PolyPhen-2) suggests that this variant is likely to be disruptive. In summary, the available evidence is currently insufficient to determine the role of this variant in disease. Therefore, it has been classified as a Variant of Uncertain Significance.

Ambry Genetics
Classification: Uncertain significance. Last evaluated: 2024-11-07. Review status: criteria provided, single submitter. Criteria: Ambry Variant Classification Scheme 2023. Collection method: clinical testing. Allele origin: germline.

Eurofins Ntd Llc (ga)
Classification: Uncertain significance. Last evaluated: 2015-10-26. Review status: criteria provided, single submitter. Criteria: EGL Classification Definitions 2015. Collection method: clinical testing. Allele origin: germline. Observed: 1 variant allele, 1 heterozygote.

NM_001128205.2(SULF1):c.370C>T (p.Arg124Trp)

Gene: SULF1 (sulfatase 1; plus strand). Cytogenetic location: 8q13.2.
Variant type: single nucleotide variant.
Coding change: c.370C>T on transcript NM_001128205.2 (MANE Select); coding-DNA position 370, C replaced by T.
Protein change: p.Arg124Trp; replaces arginine 124 with tryptophan.
Molecular consequence: missense variant. On other transcripts: non-coding transcript variant (2).
Genome position (GRCh38, 1-based): chr8:69,576,167, C>T. VCF-style: chr8-69576167-C-T. GRCh37 (hg19) VCF-style: chr8-70488402-C-T.
Other names: c.370C>T (NM_001128205.1); c.370C>T, p.Arg124Trp (NM_001128204.2, NM_001128206.2, NM_015170.3); short protein forms R124W.
Identifiers: ClinVar variation 283835 (VCV000283835.10), dbSNP rs774063520, ClinGen allele CA4775553.